The following is an entry in ClinVar:

ClinVar aggregate classification (germline): Uncertain significance. Review status: criteria provided, multiple submitters, no conflicts (2 of 4 stars). 2 submissions from 2 submitters: Uncertain significance (2). Last evaluated 2024-09-15.

Conditions:
Limb-girdle muscular dystrophy (LGMD). Also called: Muscular Dystrophies, Limb-Girdle. Identifiers: Orphanet 263, MedGen C0686353, MeSH D049288, MONDO:0016971, HP:0006785.
Myofibrillar myopathy 5. Also called: Filaminopathy (type); FILAMINOPATHY, AUTOSOMAL DOMINANT. Identifiers: Orphanet 171445, MedGen C1836050, MONDO:0012289, OMIM 609524.
Hypertrophic cardiomyopathy 26. Also called: Cardiomyopathy, familial hypertrophic, 26. Identifiers: Orphanet 75249, MedGen C4310749, MONDO:0014883, OMIM 617047.
Distal myopathy with posterior leg and anterior hand involvement. Also called: WILLIAMS DISTAL MYOPATHY. Identifiers: Orphanet 63273, MedGen C3279722, MONDO:0013550, OMIM 614065.

Allele frequency attached by ClinVar (database versions not stated): TOPMed 0.00001.

Submissions (2):

Labcorp Genetics (formerly Invitae), Labcorp
Classification: Uncertain significance for Distal myopathy with posterior leg and anterior hand involvement; Myofibrillar myopathy 5; Hypertrophic cardiomyopathy 26. Last evaluated: 2024-09-15. Review status: criteria provided, single submitter. Criteria: Invitae Variant Classification Sherloc (09022015). Collection method: clinical testing. Allele origin: germline.
Comment: This sequence change replaces aspartic acid, which is acidic and polar, with glutamic acid, which is acidic and polar, at codon 949 of the FLNC protein (p.Asp949Glu). This variant is not present in population databases (gnomAD no frequency). This variant has not been reported in the literature in individuals affected with FLNC-related conditions. ClinVar contains an entry for this variant (Variation ID: 1045185). Invitae Evidence Modeling of protein sequence and biophysical properties (such as structural, functional, and spatial information, amino acid conservation, physicochemical variation, residue mobility, and thermodynamic stability) has been performed for this missense variant. However, the output from this modeling did not meet the statistical confidence thresholds required to predict the impact of this variant on FLNC protein function. In summary, the available evidence is currently insufficient to determine the role of this variant in disease. Therefore, it has been classified as a Variant of Uncertain Significance.

Cambridge Genomics Laboratory, East Genomic Laboratory Hub, NHS Genomic Medicine Service
Classification: Uncertain significance for Limb-girdle muscular dystrophy. Last evaluated: 2019-11-13. Review status: criteria provided, single submitter. Criteria: ACGS Best Practice Guidelines for Variant Classification in Rare Disease 2020. Collection method: clinical testing. Allele origin: germline. Affected: yes. Observed: 1 variant allele.

NM_001458.5(FLNC):c.2847C>A (p.Asp949Glu)

Gene: FLNC (filamin C; plus strand). Cytogenetic location: 7q32.1.
Variant type: single nucleotide variant.
Coding change: c.2847C>A on transcript NM_001458.5 (MANE Select); coding-DNA position 2847, C replaced by A.
Protein change: p.Asp949Glu; replaces aspartic acid 949 with glutamic acid.
Molecular consequence: missense variant.
Genome position (GRCh38, 1-based): chr7:128,843,831, C>A. VCF-style: chr7-128843831-C-A. GRCh37 (hg19) VCF-style: chr7-128483885-C-A.
Other names: c.2847C>A, p.Asp949Glu (NM_001127487.2); short protein forms D949E.
Identifiers: ClinVar variation 1045185 (VCV001045185.10), dbSNP rs1808441944, ClinGen allele CA369193414.
Genomic context (GRCh38, chr7:128,843,831, plus strand): 5'-TCTGACCTACCATTGTACCCAACAGGGCAACATGGCAGTGACAGTGACTTATGGCGGGGA[C>A]CCTGTCCCCAAGAGCCCCTTTGTGGTGAATGTGGCACCCCCGCTGGACCTCAGCAAAATC-3'
Protein context (NP_001449.3, residues 939-959): NMAVTVTYGG[Asp949Glu]PVPKSPFVVN